The following is an entry in ClinVar:

ClinVar aggregate classification (germline): Uncertain significance (1 of 4 stars; one submission).

gnomAD v4.1: 12 of 1,613,828 alleles (0.00074%); highest among the groups gnomAD compares: Non-Finnish European, 0.00085%; no homozygotes.

Submission:

Women's Health and Genetics/Laboratory Corporation of America, LabCorp
Classification: Uncertain significance. Last evaluated: 2024-06-07. Review status: criteria provided, single submitter. Criteria: LabCorp Variant Classification Summary - May 2015. Collection method: clinical testing. Allele origin: germline.
Comment: Variant summary: KIAA0196 c.608G>A (p.Arg203Lys) results in a conservative amino acid change in the encoded protein sequence. Three of five in-silico tools predict a benign effect of the variant on protein function. The variant allele was found at a frequency of 7.4e-06 in 1613828 control chromosomes. This frequency is not significantly higher than estimated for a pathogenic variant in KIAA0196 causing Ritscher-Schinzel Syndrome 1, allowing no conclusion about variant significance. To our knowledge, no occurrence of c.608G>A in individuals affected with KIAA0196-related conditions and no experimental evidence demonstrating its impact on protein function have been reported. No submitters have cited clinical-significance assessments for this variant to ClinVar. Based on the evidence outlined above, the variant was classified as uncertain significance.

NM_014846.4(WASHC5):c.608G>A (p.Arg203Lys)

Gene: WASHC5 (WASH complex subunit 5; minus strand). Cytogenetic location: 8q24.13.
Variant type: single nucleotide variant.
Coding change: c.608G>A on transcript NM_014846.4 (MANE Select); coding-DNA position 608, G replaced by A.
Protein change: p.Arg203Lys; replaces arginine 203 with lysine.
Molecular consequence: missense variant.
Genome position (GRCh38, 1-based): chr8:125,078,841, C>T on the plus strand (G>A on the coding strand, the complement: WASHC5 is on the minus strand). VCF-style: chr8-125078841-C-T. GRCh37 (hg19) VCF-style: chr8-126091083-C-T.
Other names: c.164G>A, p.Arg55Lys (NM_001330609.2); short protein forms R203K, R55K.
Identifiers: ClinVar variation 3339700 (VCV003339700.1).